The following continues an entry in ClinVar:

NM_000152.5(GAA):c.2297A>C (p.Tyr766Ser)

Gene: GAA. ClinVar aggregate classification (germline): Pathogenic. Pathogenic (1).

Submissions 8 to 11 of 11:

Revvity Omics, Revvity
Classification: Pathogenic. Last evaluated: 2024-01-02. Review status: criteria provided, single submitter. Criteria: ACMG Guidelines, 2015. Collection method: clinical testing. Allele origin: germline. Not counted in ClinVar's aggregate classification.

Baylor Genetics
Classification: Pathogenic for Glycogen storage disease, type II. Last evaluated: 2023-11-09. Review status: criteria provided, single submitter. Criteria: ACMG Guidelines, 2015. Collection method: clinical testing. Allele origin: unknown. Not counted in ClinVar's aggregate classification.

Fulgent Genetics
Classification: Pathogenic for Glycogen storage disease, type II. Last evaluated: 2022-04-13. Review status: criteria provided, single submitter. Criteria: ACMG Guidelines, 2015. Collection method: clinical testing. Allele origin: unknown. Not counted in ClinVar's aggregate classification.

Broad Center for Mendelian Genomics, Broad Institute of MIT and Harvard
Classification: Likely pathogenic for Glycogen storage disease, type II. Last evaluated: 2020-01-22. Review status: criteria provided, single submitter. Criteria: ACMG Guidelines, 2015. Collection method: curation. Allele origin: germline. Inheritance: Autosomal recessive inheritance. Not counted in ClinVar's aggregate classification.
Comment: This variant has been identified in 0.005% (1/18378) of East Asian chromosomes by the Genome Aggregation Database (gnomAD; dbSNP rs144016984). Although this variant has been seen in the general population, its frequency is low enough to be consistent with a recessive carrier frequency. Computational prediction tools and conservation analyses suggest that this variant may impact the protein, though this information is not predictive enough to determine pathogenicity. The presence of this variant in the homozygous state and in combination with a pathogenic variant, and in individuals with Glycogen Storage Disease II increases the likelihood that the p.Tyr766Ser variant is pathogenic (PMID: 22521436, 21637107). The phenotype of an individual heterozygous for this variant is highly specific for Glycogen Storage Disease II based on GAA activity consistent with disease (PMID: 21637107, 22521436). One additional variant at the same position, p.Tyr766Cys, has been reported as a VUS in ClinVar (Variation ID: 285197). In summary, although additional studies are required to fully establish its clinical significance, this variant is likely pathogenic. ACMG/AMP Criteria applied: PM3, PM2, PP3, PP4 (Richards 2015).

Literature cited by the submitters: PubMed 38250073 (cited by Genomenon, Inc); PubMed 34357340 (cited by Genomenon, Inc); PubMed 31899940 (cited by Genomenon, Inc and Variantyx, Inc.); PubMed 31875618 (cited by 3 submitters); PubMed 31086307 (cited by Genomenon, Inc and Natera, Inc.); PubMed 30214072 (cited by Genomenon, Inc and Variantyx, Inc.); PubMed 28394184 (cited by 4 submitters); PubMed 22521436 (cited by 5 submitters); PubMed 22538254 (cited by Labcorp Genetics (formerly Invitae), Labcorp and Variantyx, Inc.); PubMed 21605996 (cited by Labcorp Genetics (formerly Invitae), Labcorp); PubMed 29124014 (cited by Labcorp Genetics (formerly Invitae), Labcorp); PubMed 26693141 (cited by Women's Health and Genetics/Laboratory Corporation of America, LabCorp and Broad Center for Mendelian Genomics, Broad Institute of MIT and Harvard); PubMed 21637107 (cited by Broad Center for Mendelian Genomics, Broad Institute of MIT and Harvard).